The following is an entry in ClinVar:

ClinVar aggregate classification (germline): Uncertain significance (1 of 4 stars; one submission).

Submission:

Labcorp Genetics (formerly Invitae), Labcorp
Classification: Uncertain significance. Last evaluated: 2025-09-01. Review status: criteria provided, single submitter. Criteria: Invitae Variant Classification Sherloc (09022015). Collection method: clinical testing. Allele origin: germline.
Comment: This sequence change replaces alanine, which is neutral and non-polar, with serine, which is neutral and polar, at codon 17 of the SLC7A14 protein (p.Ala17Ser). This variant is not present in population databases (gnomAD no frequency). This variant has not been reported in the literature in individuals affected with SLC7A14-related conditions. An algorithm developed to predict the effect of missense changes on protein structure and function outputs the following: PolyPhen-2: "Benign". The serine amino acid residue is found in multiple mammalian species, which suggests that this missense change does not adversely affect protein function. In summary, the available evidence is currently insufficient to determine the role of this variant in disease. Therefore, it has been classified as a Variant of Uncertain Significance.

NM_020949.3(SLC7A14):c.49G>T (p.Ala17Ser)

Genes: SLC7A14 (solute carrier family 7 member 14; minus strand), SLC7A14-AS1 (SLC7A14 antisense RNA 1; plus strand). Cytogenetic location: 3q26.2.
Variant type: single nucleotide variant.
Coding change: c.49G>T on transcript NM_020949.3 (MANE Select); coding-DNA position 49, G replaced by T.
Protein change: p.Ala17Ser; replaces alanine 17 with serine.
Molecular consequence: missense variant.
Genome position (GRCh38, 1-based): chr3:170,526,888, C>A on the plus strand (G>T on the coding strand, the complement: SLC7A14 is on the minus strand). VCF-style: chr3-170526888-C-A. GRCh37 (hg19) VCF-style: chr3-170244677-C-A.
Other names: short protein forms A17S.
Identifiers: ClinVar variation 4726460 (VCV004726460.1).